The following is an entry in ClinVar:

NM_004336.5(BUB1):c.1411A>G (p.Ile471Val)

Gene: BUB1 (BUB1 mitotic checkpoint serine/threonine kinase; minus strand). Cytogenetic location: 2q13.
Variant type: single nucleotide variant.
Coding change: c.1411A>G on transcript NM_004336.5 (MANE Select); coding-DNA position 1411, A replaced by G.
Protein change: p.Ile471Val; replaces isoleucine 471 with valine.
Molecular consequence: missense variant.
Genome position (GRCh38, 1-based): chr2:110,658,515, T>C on the plus strand (A>G on the coding strand, the complement: BUB1 is on the minus strand). VCF-style: chr2-110658515-T-C. GRCh37 (hg19) VCF-style: chr2-111416092-T-C.
Other names: c.1351A>G, p.Ile451Val (NM_001278616.2); c.1411A>G, p.Ile471Val (NM_001278617.2); short protein forms I451V, I471V.
Identifiers: ClinVar variation 2586134 (VCV002586134.2), dbSNP rs1574325775, ClinGen allele CA348212476.

ClinVar aggregate classification (germline): Uncertain significance (1 of 4 stars; one submission).

Allele frequency attached by ClinVar (database versions not stated): gnomAD exomes below 0.00001.

Submission:

Ambry Genetics
Classification: Uncertain significance. Last evaluated: 2023-06-17. Review status: criteria provided, single submitter. Criteria: Ambry Variant Classification Scheme 2023. Collection method: clinical testing. Allele origin: germline.
Comment: The p.I471V variant (also known as c.1411A>G), located in coding exon 13 of the BUB1 gene, results from an A to G substitution at nucleotide position 1411. The isoleucine at codon 471 is replaced by valine, an amino acid with highly similar properties. This amino acid position is conserved. In addition, this alteration is predicted to be tolerated by in silico analysis. Since supporting evidence is limited at this time, the clinical significance of this alteration remains unclear.